The following is an entry in ClinVar:

ClinVar aggregate classification (germline): Pathogenic (1 of 4 stars; one submission).

Conditions:
Hereditary cancer-predisposing syndrome. Also called: Neoplastic Syndromes, Hereditary; Tumor predisposition; Hereditary Cancer Syndrome; Hereditary neoplastic syndrome. Identifiers: Orphanet 140162, MedGen C0027672, MeSH D009386, MONDO:0015356.

Submission:

Ambry Genetics
Classification: Pathogenic for Hereditary cancer-predisposing syndrome. Last evaluated: 2017-10-20. Review status: criteria provided, single submitter. Criteria: Ambry Variant Classification Scheme 2023. Collection method: clinical testing. Allele origin: germline.
Comment: The c.1658_1660delACGinsCC pathogenic mutation, located in coding exon 4 of the PALB2 gene, results from the deletion of 3 nucleotides and insertion of two nucleotides causing a translational frameshift with a predicted alternate stop codon (p.H553Pfs*8). This alteration is expected to result in loss of function by premature protein truncation or nonsense-mediated mRNA decay. As such, this alteration is interpreted as a disease-causing mutation.

NM_024675.4(PALB2):c.1658_1660delinsCC (p.His553fs)

Gene: PALB2 (partner and localizer of BRCA2; minus strand). Cytogenetic location: 16p12.2.
Variant type: Indel.
Coding change: c.1658_1660delinsCC on transcript NM_024675.4 (MANE Select); coding-DNA positions 1658 to 1660, ACG replaced by CC.
Protein change: p.His553fs; shifts the reading frame from histidine 553.
Molecular consequence: frameshift variant.
Genome position (GRCh38, 1-based): chr16:23,634,886-23,634,888, CGT replaced by GG on the plus strand (ACG replaced by CC on the coding strand, the reverse complement: PALB2 is on the minus strand). VCF-style: chr16-23634886-CGT-GG. GRCh37 (hg19) VCF-style: chr16-23646207-CGT-GG.
Other names: c.1598_1600delACGinsCC, p.His533Profs (NM_001407296.1); c.1658_1660delACGinsCC, p.His553Profs (NM_001407297.1, NM_001407298.1, NM_001407299.1 and 3 more transcripts); c.773_775delACGinsCC, p.His258Profs (NM_001407304.1, NM_001407305.1, NM_001407306.1 and 5 more transcripts); short protein forms H553fs.
Identifiers: ClinVar variation 1777386 (VCV001777386.2), dbSNP rs2506469948, ClinGen allele CA2580091246.
Genomic context (GRCh38, chr16:23,634,886, plus strand): 5'-ATCATCATCATCATCATCAAACACATCTTGATTTACCTTTCACTTGAATAAATAATTTTT[CGT>GG]GCTGATATTTGTGTGAGGTGACTTCTTCCTTGGACCTGTTAACAATCGACAGGCTAGAAG-3'